The following is an entry in ClinVar:

ClinVar aggregate classification (germline): Uncertain significance (1 of 4 stars; one submission).

Conditions:
MHC class I deficiency. Identifiers: Orphanet 34592, MedGen C6024714, MONDO:0011476.

Submission:

Labcorp Genetics (formerly Invitae), Labcorp
Classification: Uncertain significance for MHC class I deficiency 1. Last evaluated: 2025-02-09. Review status: criteria provided, single submitter. Criteria: Invitae Variant Classification Sherloc (09022015). Collection method: clinical testing. Allele origin: germline.
Comment: This sequence change replaces glycine, which is neutral and non-polar, with valine, which is neutral and non-polar, at codon 71 of the TAP1 protein (p.Gly71Val). This variant is not present in population databases (gnomAD no frequency). This variant has not been reported in the literature in individuals affected with TAP1-related conditions. An algorithm developed to predict the effect of missense changes on protein structure and function (PolyPhen-2) suggests that this variant is likely to be disruptive. In summary, the available evidence is currently insufficient to determine the role of this variant in disease. Therefore, it has been classified as a Variant of Uncertain Significance.

NM_000593.6(TAP1):c.32G>T (p.Gly11Val)

Gene: TAP1 (transporter 1, ATP binding cassette subfamily B member; minus strand). Cytogenetic location: 6p21.32.
Variant type: single nucleotide variant.
Coding change: c.32G>T on transcript NM_000593.6 (MANE Select); coding-DNA position 32, G replaced by T.
Protein change: p.Gly11Val; replaces glycine 11 with valine.
Molecular consequence: missense variant.
Genome position (GRCh38, 1-based): chr6:32,853,605, C>A on the plus strand (G>T on the coding strand, the complement: TAP1 is on the minus strand). VCF-style: chr6-32853605-C-A. GRCh37 (hg19) VCF-style: chr6-32821382-C-A.
Other names: short protein forms G11V.
Identifiers: ClinVar variation 4759748 (VCV004759748.1).